The following is an entry in ClinVar:

ClinVar aggregate classification (germline): Uncertain significance (1 of 4 stars; one submission).

Submission:

Labcorp Genetics (formerly Invitae), Labcorp
Classification: Uncertain significance. Last evaluated: 2024-01-09. Review status: criteria provided, single submitter. Criteria: Invitae Variant Classification Sherloc (09022015). Collection method: clinical testing. Allele origin: germline.
Comment: This sequence change replaces valine, which is neutral and non-polar, with alanine, which is neutral and non-polar, at codon 99 of the TNFRSF11A protein (p.Val99Ala). This variant is not present in population databases (gnomAD no frequency). This variant has not been reported in the literature in individuals affected with TNFRSF11A-related conditions. Advanced modeling of protein sequence and biophysical properties (such as structural, functional, and spatial information, amino acid conservation, physicochemical variation, residue mobility, and thermodynamic stability) has been performed at Invitae for this missense variant, however the output from this modeling did not meet the statistical confidence thresholds required to predict the impact of this variant on TNFRSF11A protein function. In summary, the available evidence is currently insufficient to determine the role of this variant in disease. Therefore, it has been classified as a Variant of Uncertain Significance.

NM_003839.4(TNFRSF11A):c.296T>C (p.Val99Ala)

Gene: TNFRSF11A (TNF receptor superfamily member 11a; plus strand). Cytogenetic location: 18q21.33.
Variant type: single nucleotide variant.
Coding change: c.296T>C on transcript NM_003839.4 (MANE Select); coding-DNA position 296, T replaced by C.
Protein change: p.Val99Ala; replaces valine 99 with alanine.
Molecular consequence: missense variant.
Genome position (GRCh38, 1-based): chr18:62,354,403, T>C. VCF-style: chr18-62354403-T-C. GRCh37 (hg19) VCF-style: chr18-60021636-T-C.
Other names: c.296T>C, p.Val99Ala (NM_001270949.2, NM_001270950.2, NM_001270951.2 and 1 more transcripts); short protein forms V99A.
Identifiers: ClinVar variation 2779438 (VCV002779438.3), dbSNP rs2511558270, ClinGen allele CA402612103.